The following is an entry in ClinVar:

ClinVar aggregate classification (germline): Uncertain significance (1 of 4 stars; one submission).

Allele frequency attached by ClinVar (database versions not stated): gnomAD exomes below 0.00001.
gnomAD v4.1: 1 of 1,614,200 alleles (0.000062%); highest among the groups gnomAD compares: Non-Finnish European, 0.000085%; no homozygotes.

Submission:

Labcorp Genetics (formerly Invitae), Labcorp
Classification: Uncertain significance. Last evaluated: 2025-09-02. Review status: criteria provided, single submitter. Criteria: Invitae Variant Classification Sherloc (09022015). Collection method: clinical testing. Allele origin: germline.
Comment: This sequence change replaces histidine, which is basic and polar, with aspartic acid, which is acidic and polar, at codon 653 of the ACO2 protein (p.His653Asp). This variant is not present in population databases (gnomAD no frequency). This variant has not been reported in the literature in individuals affected with ACO2-related conditions. ClinVar contains an entry for this variant (Variation ID: 2047564). Invitae Evidence Modeling of protein sequence and biophysical properties (such as structural, functional, and spatial information, amino acid conservation, physicochemical variation, residue mobility, and thermodynamic stability) indicates that this missense variant is not expected to disrupt ACO2 protein function with a negative predictive value of 80%. Algorithms developed to predict the effect of sequence changes on RNA splicing suggest that this variant may create or strengthen a splice site. In summary, the available evidence is currently insufficient to determine the role of this variant in disease. Therefore, it has been classified as a Variant of Uncertain Significance.

NM_001098.3(ACO2):c.1957C>G (p.His653Asp)

Genes: ACO2 (aconitase 2; plus strand), POLR3H (RNA polymerase III subunit H; minus strand). Cytogenetic location: 22q13.2.
Variant type: single nucleotide variant.
Coding change: c.1957C>G on transcript NM_001098.3 (MANE Select); coding-DNA position 1957, C replaced by G.
Protein change: p.His653Asp; replaces histidine 653 with aspartic acid.
Molecular consequence: missense variant. On other transcripts: 3 prime UTR variant (5).
Genome position (GRCh38, 1-based): chr22:41,527,291, C>G. VCF-style: chr22-41527291-C-G. GRCh37 (hg19) VCF-style: chr22-41923295-C-G.
Other names: c.*1992G>C (NM_001018050.4, NM_001018052.4, NM_001282884.2 and 2 more transcripts); short protein forms H653D.
Identifiers: ClinVar variation 2047564 (VCV002047564.4), dbSNP rs2066621220, ClinGen allele CA411728793.